The following is an entry in ClinVar:

ClinVar aggregate classification (germline): Uncertain significance (1 of 4 stars; one submission).

Conditions:
Kabuki syndrome. Also called: NIIKAWA-KUROKI SYNDROME; Kabuki make-up syndrome. Identifiers: Orphanet 2322, MedGen C0796004, MONDO:0016512.

Submission:

Labcorp Genetics (formerly Invitae), Labcorp
Classification: Uncertain significance for Kabuki syndrome. Last evaluated: 2025-12-14. Review status: criteria provided, single submitter. Criteria: Invitae Variant Classification Sherloc (09022015). Collection method: clinical testing. Allele origin: germline.
Comment: This sequence change replaces histidine, which is basic and polar, with glutamine, which is neutral and polar, at codon 2630 of the KMT2D protein (p.His2630Gln). This variant is not present in population databases (gnomAD no frequency). This variant has not been reported in the literature in individuals affected with KMT2D-related conditions. Invitae Evidence Modeling of protein sequence and biophysical properties (such as structural, functional, and spatial information, amino acid conservation, physicochemical variation, residue mobility, and thermodynamic stability) indicates that this missense variant is not expected to disrupt KMT2D protein function with a negative predictive value of 95%. Algorithms developed to predict the effect of sequence changes on RNA splicing suggest that this variant may create or strengthen a splice site. In summary, the available evidence is currently insufficient to determine the role of this variant in disease. Therefore, it has been classified as a Variant of Uncertain Significance.

NM_003482.4(KMT2D):c.7890T>G (p.His2630Gln)

Gene: KMT2D (lysine methyltransferase 2D; minus strand). Cytogenetic location: 12q13.12.
Variant type: single nucleotide variant.
Coding change: c.7890T>G on transcript NM_003482.4 (MANE Select); coding-DNA position 7890, T replaced by G.
Protein change: p.His2630Gln; replaces histidine 2630 with glutamine.
Molecular consequence: missense variant.
Genome position (GRCh38, 1-based): chr12:49,039,880, A>C on the plus strand (T>G on the coding strand, the complement: KMT2D is on the minus strand). VCF-style: chr12-49039880-A-C. GRCh37 (hg19) VCF-style: chr12-49433663-A-C.
Other names: short protein forms H2630Q.
Identifiers: ClinVar variation 4801230 (VCV004801230.1).